The following is an entry in ClinVar:

ClinVar aggregate classification (germline): Uncertain significance. Review status: criteria provided, multiple submitters, no conflicts (2 of 4 stars). 2 submissions from 2 submitters: Uncertain significance (2). Last evaluated 2024-02-21.

Conditions:
Inborn genetic diseases. Identifiers: MedGen C0950123, MeSH D030342.
Nemaline myopathy 10 (NEM10). Identifiers: MedGen C4015360, MONDO:0014513, OMIM 616165.

Allele frequency attached by ClinVar (database versions not stated): ExAC 0.00002; gnomAD exomes 0.00002.
gnomAD v4.1: 11 of 1,613,906 alleles (0.00068%); highest among the groups gnomAD compares: East Asian, 0.025%; no homozygotes.

Submissions (2):

Ambry Genetics
Classification: Uncertain significance for Inborn genetic diseases. Last evaluated: 2024-02-21. Review status: criteria provided, single submitter. Criteria: Ambry Variant Classification Scheme 2023. Collection method: clinical testing. Allele origin: germline.

Labcorp Genetics (formerly Invitae), Labcorp
Classification: Uncertain significance for Nemaline myopathy 10. Last evaluated: 2023-08-07. Review status: criteria provided, single submitter. Criteria: Invitae Variant Classification Sherloc (09022015). Collection method: clinical testing. Allele origin: germline.
Comment: Algorithms developed to predict the effect of missense changes on protein structure and function output the following: SIFT: "Not Available"; PolyPhen-2: "Benign"; Align-GVGD: "Not Available". The arginine amino acid residue is found in multiple mammalian species, which suggests that this missense change does not adversely affect protein function. In summary, the available evidence is currently insufficient to determine the role of this variant in disease. Therefore, it has been classified as a Variant of Uncertain Significance. This variant has not been reported in the literature in individuals affected with LMOD3-related conditions. This variant is present in population databases (rs763335722, gnomAD 0.02%). This sequence change replaces lysine, which is basic and polar, with arginine, which is basic and polar, at codon 411 of the LMOD3 protein (p.Lys411Arg).

NM_198271.5(LMOD3):c.1232A>G (p.Lys411Arg)

Gene: LMOD3 (leiomodin 3; minus strand). Cytogenetic location: 3p14.1.
Variant type: single nucleotide variant.
Coding change: c.1232A>G on transcript NM_198271.5 (MANE Select); coding-DNA position 1232, A replaced by G.
Protein change: p.Lys411Arg; replaces lysine 411 with arginine.
Molecular consequence: missense variant.
Genome position (GRCh38, 1-based): chr3:69,119,123, T>C on the plus strand (A>G on the coding strand, the complement: LMOD3 is on the minus strand). VCF-style: chr3-69119123-T-C. GRCh37 (hg19) VCF-style: chr3-69168274-T-C.
Other names: c.1232A>G (NM_198271.3); c.1232A>G, p.Lys411Arg (NM_001304418.3); short protein forms K411R.
Identifiers: ClinVar variation 2889177 (VCV002889177.4), dbSNP rs763335722, ClinGen allele CA2488837.